The following is an entry in ClinVar:

ClinVar aggregate classification (germline): Pathogenic (1 of 4 stars; one submission).

Conditions:
Muscular dystrophy-dystroglycanopathy (congenital with brain and eye anomalies), type a, 8 (MDDGA8). Also called: WALKER-WARBURG SYNDROME OR MUSCLE-EYE-BRAIN DISEASE, GTDC2-RELATED. Identifiers: Orphanet 899, MedGen C3553813, MONDO:0013904, OMIM 614830.

Submission:

Labcorp Genetics (formerly Invitae), Labcorp
Classification: Pathogenic for Muscular dystrophy-dystroglycanopathy (congenital with brain and eye anomalies), type a, 8. Last evaluated: 2022-09-13. Review status: criteria provided, single submitter. Criteria: Invitae Variant Classification Sherloc (09022015). Collection method: clinical testing. Allele origin: germline.
Comment: This sequence change creates a premature translational stop signal (p.Val504Serfs*12) in the POMGNT2 gene. While this is not anticipated to result in nonsense mediated decay, it is expected to disrupt the last 77 amino acid(s) of the POMGNT2 protein. This variant is not present in population databases (gnomAD no frequency). This variant has not been reported in the literature in individuals affected with POMGNT2-related conditions. This variant disrupts a region of the POMGNT2 protein in which other variant(s) (p.Glu519*) have been determined to be pathogenic (Invitae). This suggests that this is a clinically significant region of the protein, and that variants that disrupt it are likely to be disease-causing. For these reasons, this variant has been classified as Pathogenic.

NM_032806.6(POMGNT2):c.1510del (p.Val504fs)

Gene: POMGNT2 (protein O-linked mannose N-acetylglucosaminyltransferase 2 (beta 1,4-); minus strand). Cytogenetic location: 3p22.1.
Variant type: Deletion.
Coding change: c.1510del on transcript NM_032806.6 (MANE Select); coding-DNA position 1510, one base deleted (G; older notation c.1510delG).
Protein change: p.Val504fs; shifts the reading frame from valine 504.
Molecular consequence: frameshift variant.
Genome position (GRCh38, 1-based): chr3:43,079,922, C deleted on the plus strand (G on the coding strand, the reverse complement: POMGNT2 is on the minus strand). VCF-style (leftmost placement, unchanged base first): chr3-43079921-AC-A. GRCh37 (hg19) VCF-style: chr3-43121413-AC-A.
Other names: short protein forms V504fs.
Identifiers: ClinVar variation 2055124 (VCV002055124.1), dbSNP rs2528893606, ClinGen allele CA2580069843.